The following is an entry in ClinVar:

ClinVar aggregate classification (germline): Uncertain significance. Review status: criteria provided, multiple submitters, no conflicts (2 of 4 stars). 2 submissions from 2 submitters: Uncertain significance (2). Last evaluated 2024-05-29.

Conditions:
Metaphyseal chondrodysplasia, Jansen type. Also called: PTH1R-Related Jansen Metaphyseal Chondrodysplasia; Metaphyseal chondrodysplasia Murk Jansen type. Identifiers: Orphanet 33067, MedGen C0265295, MONDO:0007982, OMIM 156400.
Eiken syndrome (EKNS). Also called: BONE MODELING DEFECT OF HANDS AND FEET. Identifiers: Orphanet 79106, MedGen C1838779, MONDO:0010803, OMIM 600002.
Primary failure of tooth eruption. Also called: DENTAL NONERUPTION; PRIMARY RETENTION OF TEETH; UNERUPTED SECOND PRIMARY MOLAR; POSTERIOR OPENBITE MALOCCLUSION, FAMILIAL. Identifiers: Orphanet 412206, MedGen C1852222, MONDO:0007434, OMIM 125350.
Chondrodysplasia Blomstrand type (BOCD). Identifiers: Orphanet 50945, MedGen C1859148, MONDO:0008970, OMIM 215045.

Allele frequency attached by ClinVar (database versions not stated): gnomAD exomes 0.00001 and 0.00009; TOPMed 0.00003; ExAC 0.00005; gnomAD 0.00005 and 0.00006.

Submissions (2):

Fulgent Genetics
Classification: Uncertain significance for Primary failure of tooth eruption; Metaphyseal chondrodysplasia, Jansen type; Chondrodysplasia Blomstrand type; Eiken syndrome. Last evaluated: 2024-05-29. Review status: criteria provided, single submitter. Criteria: ACMG Guidelines, 2015. Collection method: clinical testing. Allele origin: germline.

Labcorp Genetics (formerly Invitae), Labcorp
Classification: Uncertain significance. Last evaluated: 2023-01-20. Review status: criteria provided, single submitter. Criteria: Invitae Variant Classification Sherloc (09022015). Collection method: clinical testing. Allele origin: germline.
Comment: This variant is present in population databases (rs773638342, gnomAD 0.1%). In summary, the available evidence is currently insufficient to determine the role of this variant in disease. Therefore, it has been classified as a Variant of Uncertain Significance. Advanced modeling of protein sequence and biophysical properties (such as structural, functional, and spatial information, amino acid conservation, physicochemical variation, residue mobility, and thermodynamic stability) performed at Invitae indicates that this missense variant is not expected to disrupt PTH1R protein function. ClinVar contains an entry for this variant (Variation ID: 1442623). This missense change has been observed in individual(s) with clinical features of PTH1R-related conditions (PMID: 35250876). This sequence change replaces alanine, which is neutral and non-polar, with valine, which is neutral and non-polar, at codon 210 of the PTH1R protein (p.Ala210Val).

Literature cited by the submitters: PubMed 35250876 (cited by Labcorp Genetics (formerly Invitae), Labcorp).

NM_000316.3(PTH1R):c.629C>T (p.Ala210Val)

Gene: PTH1R (parathyroid hormone 1 receptor; plus strand). Cytogenetic location: 3p21.31.
Variant type: single nucleotide variant.
Coding change: c.629C>T on transcript NM_000316.3 (MANE Select); coding-DNA position 629, C replaced by T.
Protein change: p.Ala210Val; replaces alanine 210 with valine.
Molecular consequence: missense variant.
Genome position (GRCh38, 1-based): chr3:46,898,463, C>T. VCF-style: chr3-46898463-C-T. GRCh37 (hg19) VCF-style: chr3-46939953-C-T.
Other names: c.629C>T, p.Ala210Val (NM_001184744.1); short protein forms A210V.
Identifiers: ClinVar variation 1442623 (VCV001442623.8), dbSNP rs773638342, ClinGen allele CA2359259.
Genomic context (GRCh38, chr3:46,898,463, plus strand): 5'-TTTACACCGTGGGCTACTCCGTGTCCCTGGCGTCCCTCACCGTAGCTGTGCTCATCCTGG[C>T]CTACTTTAGGTGGGCGGGGCGGGGCGAGAGGCGGCGGGACATGGTGGAGGGGGGGCGGTG-3'
Protein context (NP_000307.1, residues 200-220): ASLTVAVLIL[Ala210Val]YFRRLHCTRN